The following is an entry in ClinVar:

NM_015202.5(KATNIP):c.160A>G (p.Ser54Gly)

Gene: KATNIP (katanin interacting protein; plus strand). Cytogenetic location: 16p12.1.
Variant type: single nucleotide variant.
Coding change: c.160A>G on transcript NM_015202.5 (MANE Select); coding-DNA position 160, A replaced by G.
Protein change: p.Ser54Gly; replaces serine 54 with glycine.
Molecular consequence: missense variant.
Genome position (GRCh38, 1-based): chr16:27,628,680, A>G. VCF-style: chr16-27628680-A-G. GRCh37 (hg19) VCF-style: chr16-27640001-A-G.
Other names: c.160A>G (NM_015202.2); short protein forms S54G.
Identifiers: ClinVar variation 2189308 (VCV002189308.7), dbSNP rs749350821, ClinGen allele CA7977238.

ClinVar aggregate classification (germline): Uncertain significance. Review status: criteria provided, multiple submitters, no conflicts (2 of 4 stars). 3 submissions from 3 submitters: Uncertain significance (3). Last evaluated 2025-09-02.

Allele frequency attached by ClinVar (database versions not stated): gnomAD exomes 0.00002; ExAC 0.00007; gnomAD 0.00008; TOPMed 0.00012.
gnomAD v4.1: 37 of 1,614,068 alleles (0.0023%); highest among the groups gnomAD compares: Admixed American, 0.037%; no homozygotes.

Submissions (3):

Labcorp Genetics (formerly Invitae), Labcorp
Classification: Uncertain significance. Last evaluated: 2025-09-02. Review status: criteria provided, single submitter. Criteria: Invitae Variant Classification Sherloc (09022015). Collection method: clinical testing. Allele origin: germline.
Comment: This sequence change replaces serine, which is neutral and polar, with glycine, which is neutral and non-polar, at codon 54 of the KIAA0556 protein (p.Ser54Gly). This variant is present in population databases (rs749350821, gnomAD 0.02%). This variant has not been reported in the literature in individuals affected with KIAA0556-related conditions. ClinVar contains an entry for this variant (Variation ID: 2189308). An algorithm developed to predict the effect of missense changes on protein structure and function (PolyPhen-2) suggests that this variant is likely to be tolerated. In summary, the available evidence is currently insufficient to determine the role of this variant in disease. Therefore, it has been classified as a Variant of Uncertain Significance.

Ambry Genetics
Classification: Uncertain significance. Last evaluated: 2025-03-26. Review status: criteria provided, single submitter. Criteria: Ambry Variant Classification Scheme 2023. Collection method: clinical testing. Allele origin: germline.

Blueprint Genetics
Classification: Uncertain significance. Last evaluated: 2021-02-11. Review status: criteria provided, single submitter. Criteria: ACMG Guidelines, 2015. Collection method: clinical testing. Allele origin: germline.